The following is an entry in ClinVar:

ClinVar aggregate classification (germline): Uncertain significance (1 of 4 stars; one submission).

Conditions:
Familial cancer of breast. Also called: hereditary breast carcinoma; Hereditary breast cancer; BREAST CANCER, FAMILIAL. Identifiers: Orphanet 227535, MedGen C0346153, MONDO:0016419, OMIM 114480. Disease mechanism: loss of function.

Submission:

Labcorp Genetics (formerly Invitae), Labcorp
Classification: Uncertain significance for Familial cancer of breast. Last evaluated: 2025-08-21. Review status: criteria provided, single submitter. Criteria: Invitae Variant Classification Sherloc (09022015). Collection method: clinical testing. Allele origin: germline.
Comment: This sequence change falls in intron 7 of the CHEK2 gene. It does not directly change the encoded amino acid sequence of the CHEK2 protein. Information on the frequency of this variant in the gnomAD database is not available, as this variant may be reported differently in the database. This variant has not been reported in the literature in individuals affected with CHEK2-related conditions. ClinVar contains an entry for this variant (Variation ID: 2968123). In summary, the available evidence is currently insufficient to determine the role of this variant in disease. Therefore, it has been classified as a Variant of Uncertain Significance.

NM_007194.4(CHEK2):c.847-14_847-13inv

Gene: CHEK2 (checkpoint kinase 2; minus strand). Cytogenetic location: 22q12.1.
Variant type: Inversion.
Coding change: c.847-14_847-13inv on transcript NM_007194.4 (MANE Select).
Molecular consequence: intron variant.
Genome position: GRCh38 VCF-style: chr22-28703579-GG-CC. GRCh37 (hg19) VCF-style: chr22-29099567-GG-CC.
Other names: c.184-14_184-13inv (NM_001437942.1, NM_001257387.3); c.646-14_646-13inv (NM_001349956.3); c.847-14_847-13inv (NM_145862.3); c.940-14_940-13inv (NM_001438295.1, NM_001438293.1); c.976-14_976-13inv (NM_001438294.1, NM_001005735.3).
Identifiers: ClinVar variation 2968123 (VCV002968123.3), ClinGen allele CA2740094811.